The following is an entry in ClinVar:

ClinVar aggregate classification (germline): Conflicting classifications of pathogenicity. Review status: criteria provided, conflicting classifications (1 of 4 stars). 6 submissions from 6 submitters: Uncertain significance (3); Benign (1); Likely benign (2). Last evaluated 2025-12-04.

Conditions:
SCN4A-related disorder. Also called: SCN4A-related disorders.
Hypokalemic periodic paralysis, type 2 (HOKPP2). Identifiers: Orphanet 681, MedGen C2750061, MONDO:0013234, OMIM 613345.
Hyperkalemic periodic paralysis. Also called: Familial hyperkalemic periodic paralysis; Gamstorp disease. Identifiers: Orphanet 682, MedGen C0238357, MONDO:0008224, OMIM 170500, HP:0007215.
Potassium-aggravated myotonia. Also called: MYOTONIA CONGENITA, ACETAZOLAMIDE-RESPONSIVE; MYOTONIA CONGENITA, ATYPICAL; SODIUM CHANNEL MUSCLE DISEASE; Myotonia congenita, atypical, acetazolamide-responsive. Identifiers: Orphanet 612, Orphanet 99734, Orphanet 99735, Orphanet 99736, MedGen C2931826, MONDO:0018959, OMIM 608390.
Congenital myasthenic syndrome 16. Identifiers: Orphanet 590, MedGen C3280112, MONDO:0013620, OMIM 614198.
Paramyotonia congenita of Von Eulenburg. Also called: Paramyotonia Congenita; Eulenburg disease; Myotonia congenita intermittens; Von Eulenburg paramyotonia congenita; PARALYSIS PERIODICA PARAMYOTONICA. Identifiers: Orphanet 684, MedGen C0221055, MONDO:0008195, OMIM 168300. Disease mechanism: loss of function.
Congenital myopathy 22A, classic (CMYO22A). Identifiers: MedGen C5830453, MONDO:0957247, OMIM 620351.
Congenital myopathy 22B, severe fetal (CMYO22B). Identifiers: MedGen C5830501, MONDO:0957265, OMIM 620369.

Allele frequency attached by ClinVar (database versions not stated): gnomAD exomes 0.00015 and 0.00006; gnomAD 0.00049 and 0.00053; 1000 Genomes Project 0.00080; ESP Exome Variant Server 0.00047; TOPMed 0.00066; ExAC 0.00019; 1000 Genomes Project 30x 0.00094.
gnomAD v4.1: 168 of 1,609,484 alleles (0.01%); highest among the groups gnomAD compares: African/African-American, 0.17%; no homozygotes.

Submissions (6):

GeneDx
Classification: Uncertain significance. Last evaluated: 2025-12-04. Review status: criteria provided, single submitter. Criteria: GeneDx Variant Classification Process June 2021. Collection method: clinical testing. Allele origin: germline. Affected: yes.
Comment: In silico analysis supports that this missense variant has a deleterious effect on protein structure/function; Has not been previously published as pathogenic or benign to our knowledge

Labcorp Genetics (formerly Invitae), Labcorp
Classification: Likely benign for Hyperkalemic periodic paralysis. Last evaluated: 2025-11-01. Review status: criteria provided, single submitter. Criteria: Invitae Variant Classification Sherloc (09022015). Collection method: clinical testing. Allele origin: germline.

PreventionGenetics, part of Exact Sciences
Classification: Likely benign for SCN4A-related condition. Last evaluated: 2025-06-13. Review status: criteria provided, single submitter. Criteria: ACMG Guidelines, 2015. Collection method: clinical testing. Allele origin: germline.
Comment: This variant is classified as likely benign based on ACMG/AMP sequence variant interpretation guidelines (Richards et al. 2015 PMID: 25741868, with internal and published modifications).

Athena Diagnostics
Classification: Benign. Last evaluated: 2024-07-30. Review status: criteria provided, single submitter. Criteria: Athena Diagnostics Criteria. Collection method: clinical testing. Allele origin: unknown.

Fulgent Genetics
Classification: Uncertain significance for Paramyotonia congenita of Von Eulenburg; Hyperkalemic periodic paralysis; Potassium-aggravated myotonia; Hypokalemic periodic paralysis, type 2; Congenital myasthenic syndrome 16; Congenital myopathy 22A, classic; Congenital myopathy 22B, severe fetal. Last evaluated: 2023-12-27. Review status: criteria provided, single submitter. Criteria: ACMG Guidelines, 2015. Collection method: clinical testing. Allele origin: germline.

Revvity Omics, Revvity
Classification: Uncertain significance. Last evaluated: 2023-08-30. Review status: criteria provided, single submitter. Criteria: ACMG Guidelines, 2015. Collection method: clinical testing. Allele origin: germline.

NM_000334.4(SCN4A):c.1520A>G (p.Asn507Ser)

Gene: SCN4A (sodium voltage-gated channel alpha subunit 4; minus strand). Cytogenetic location: 17q23.3.
Variant type: single nucleotide variant.
Coding change: c.1520A>G on transcript NM_000334.4 (MANE Select); coding-DNA position 1520, A replaced by G.
Protein change: p.Asn507Ser; replaces asparagine 507 with serine.
Molecular consequence: missense variant.
Genome position (GRCh38, 1-based): chr17:63,963,758, T>C on the plus strand (A>G on the coding strand, the complement: SCN4A is on the minus strand). VCF-style: chr17-63963758-T-C. GRCh37 (hg19) VCF-style: chr17-62041118-T-C.
Other names: short protein forms N507S.
Identifiers: ClinVar variation 430131 (VCV000430131.19), dbSNP rs201793080, ClinGen allele CA8709823.